The following is an entry in ClinVar:

ClinVar aggregate classification (germline): Uncertain significance (1 of 4 stars; one submission).

Allele frequency attached by ClinVar (database versions not stated): ExAC 0.00002; gnomAD 0.00005; TOPMed 0.00005; gnomAD exomes 0.00012.
gnomAD v4.1: 174 of 1,613,254 alleles (0.011%); highest among the groups gnomAD compares: Non-Finnish European, 0.014%; no homozygotes.

Submission:

Labcorp Genetics (formerly Invitae), Labcorp
Classification: Uncertain significance. Last evaluated: 2022-07-06. Review status: criteria provided, single submitter. Criteria: Invitae Variant Classification Sherloc (09022015). Collection method: clinical testing. Allele origin: germline.
Comment: This sequence change replaces glutamic acid, which is acidic and polar, with aspartic acid, which is acidic and polar, at codon 170 of the UBA5 protein (p.Glu170Asp). This variant is present in population databases (rs781481137, gnomAD 0.003%). This variant has not been reported in the literature in individuals affected with UBA5-related conditions. Algorithms developed to predict the effect of missense changes on protein structure and function are either unavailable or do not agree on the potential impact of this missense change (SIFT: "Not Available"; PolyPhen-2: "Benign"; Align-GVGD: "Not Available"). In summary, the available evidence is currently insufficient to determine the role of this variant in disease. Therefore, it has been classified as a Variant of Uncertain Significance.

NM_024818.6(UBA5):c.510A>C (p.Glu170Asp)

Genes: NPHP3-ACAD11 (NPHP3-ACAD11 readthrough (NMD candidate); minus strand), UBA5 (ubiquitin like modifier activating enzyme 5; plus strand). Cytogenetic location: 3q22.1.
Variant type: single nucleotide variant.
Coding change: c.510A>C on transcript NM_024818.6 (MANE Select); coding-DNA position 510, A replaced by C.
Protein change: p.Glu170Asp; replaces glutamic acid 170 with aspartic acid.
Molecular consequence: missense variant.
Genome position (GRCh38, 1-based): chr3:132,670,980, A>C. VCF-style: chr3-132670980-A-C. GRCh37 (hg19) VCF-style: chr3-132389824-A-C.
Other names: c.342A>C, p.Glu114Asp (NM_001320210.2, NM_198329.4); c.240A>C, p.Glu80Asp (NM_001321238.2); c.174A>C, p.Glu58Asp (NM_001321239.1); short protein forms E114D, E80D, E170D, E58D.
Identifiers: ClinVar variation 1908436 (VCV001908436.2), dbSNP rs781481137, ClinGen allele CA2621377.
Genomic context (GRCh38, chr3:132,670,980, plus strand): 5'-GTATTTTGTGTCCTGATGTTTTTCAAACTTATTTTCTTTGACTAGTAATGGTGGGTTAGA[A>C]GAAGGAAAACCTGTTGATCTAGTTCTTAGCTGTGTGGACAATTTTGAAGCTCGAATGACA-3'
Protein context (NP_079094.1, residues 160-180): FMDRISNGGL[Glu170Asp]EGKPVDLVLS